The following is an entry in ClinVar:

NM_001054.4(SULT1A2):c.683C>T (p.Ser228Leu)

Gene: SULT1A2 (sulfotransferase family 1A member 2; minus strand). Cytogenetic location: 16p11.2.
Variant type: single nucleotide variant.
Coding change: c.683C>T on transcript NM_001054.4 (MANE Select); coding-DNA position 683, C replaced by T.
Protein change: p.Ser228Leu; replaces serine 228 with leucine.
Molecular consequence: missense variant. On other transcripts: non-coding transcript variant (1).
Genome position (GRCh38, 1-based): chr16:28,592,355, G>A on the plus strand (C>T on the coding strand, the complement: SULT1A2 is on the minus strand). VCF-style: chr16-28592355-G-A. GRCh37 (hg19) VCF-style: chr16-28603676-G-A.
Other names: c.584C>T, p.Ser195Leu (NM_001363863.3); c.683C>T, p.Ser228Leu (NM_001400258.1, NM_001400259.1, NM_001400264.1 and 1 more transcripts); c.626C>T, p.Ser209Leu (NM_001400260.1); c.461C>T, p.Ser154Leu (NM_001400261.1, NM_001400262.1, NM_001400263.1); short protein forms S195L, S228L, S154L, S209L.
Identifiers: ClinVar variation 4591200 (VCV004591200.1).

ClinVar aggregate classification (germline): Uncertain significance (1 of 4 stars; one submission).

gnomAD v4.1: 8 of 1,614,002 alleles (0.0005%); highest among the groups gnomAD compares: East Asian, 0.0022%; no homozygotes.

Submission:

Ambry Genetics
Classification: Uncertain significance. Last evaluated: 2025-11-26. Review status: criteria provided, single submitter. Criteria: Ambry Variant Classification Scheme 2023. Collection method: clinical testing. Allele origin: germline.
Comment: The c.683C>T (p.S228L) alteration is located in exon 7 (coding exon 6) of the SULT1A2 gene. This alteration results from a C to T substitution at nucleotide position 683, causing the serine (S) at amino acid position 228 to be replaced by a leucine (L). Based on data from gnomAD, the T allele has an overall frequency of <0.001% (1/251312) total alleles studied. The highest observed frequency was <0.001% (/) of alleles. Based on insufficient or conflicting evidence, the clinical significance of this alteration remains unclear.